The following is an entry in ClinVar:

NM_002361.4(MAG):c.46+5C>T

Gene: MAG (myelin associated glycoprotein; plus strand). Cytogenetic location: 19q13.12.
Variant type: single nucleotide variant.
Coding change: c.46+5C>T on transcript NM_002361.4 (MANE Select); 5 bases into the intron after coding-DNA position 46, C replaced by T.
Molecular consequence: intron variant. On other transcripts: 5 prime UTR variant (1).
Genome position (GRCh38, 1-based): chr19:35,295,459, C>T. VCF-style: chr19-35295459-C-T. GRCh37 (hg19) VCF-style: chr19-35786362-C-T.
Other names: c.-81C>T (NM_001199216.2); c.46+5C>T (NM_080600.3).
Identifiers: ClinVar variation 5038741 (VCV005038741.1).
Genomic context (GRCh38, chr19:35,295,459, plus strand): 5'-GCTGTACAGAATGATATTCCTCACGGCACTGCCTCTGTTCTGGATTATGATTTCAGGTAA[C>T]GGCTGACAGGTGCTGGGGACCTAAAGGCTTTGGCCCCTGAGCAGGTTGGAGGTGGGTCCC-3'

ClinVar aggregate classification (germline): Likely benign (1 of 4 stars; one submission).

gnomAD v4.1: 115 of 1,613,932 alleles (0.0071%); highest among the groups gnomAD compares: South Asian, 0.037%; 1 homozygote.

Submission:

CeGaT Center for Human Genetics Tuebingen
Classification: Likely benign. Last evaluated: 2026-07-01. Review status: criteria provided, single submitter. Criteria: CeGaT Center For Human Genetics Tuebingen Variant Classification Criteria Version 2. Collection method: clinical testing. Allele origin: germline. Affected: yes. Observed: 1 variant allele.
Comment: MAG: BP4